The following is an entry in ClinVar:

NM_000081.4(LYST):c.10598G>C (p.Trp3533Ser)

Gene: LYST (lysosomal trafficking regulator; minus strand). Cytogenetic location: 1q42.3.
Variant type: single nucleotide variant.
Coding change: c.10598G>C on transcript NM_000081.4 (MANE Select); coding-DNA position 10598, G replaced by C.
Protein change: p.Trp3533Ser; replaces tryptophan 3533 with serine.
Molecular consequence: missense variant.
Genome position (GRCh38, 1-based): chr1:235,693,453, C>G on the plus strand (G>C on the coding strand, the complement: LYST is on the minus strand). VCF-style: chr1-235693453-C-G. GRCh37 (hg19) VCF-style: chr1-235856753-C-G.
Other names: c.10598G>C, p.Trp3533Ser (NM_001301365.1); short protein forms W3533S.
Identifiers: ClinVar variation 2663059 (VCV002663059.1), dbSNP rs1660836301, ClinGen allele CA344926882.

ClinVar aggregate classification (germline): Uncertain significance (1 of 4 stars; one submission).

Allele frequency attached by ClinVar (database versions not stated): TOPMed below 0.00001.

Submission:

GeneDx
Classification: Uncertain significance. Last evaluated: 2023-05-07. Review status: criteria provided, single submitter. Criteria: GeneDx Variant Classification Process June 2021. Collection method: clinical testing. Allele origin: germline. Affected: yes.
Comment: Not observed at significant frequency in large population cohorts (gnomAD); In silico analysis supports that this missense variant has a deleterious effect on protein structure/function; Has not been previously published as pathogenic or benign to our knowledge